The following is an entry in ClinVar:

NM_007046.4(EMILIN1):c.119dup (p.Ser40fs)

Gene: EMILIN1 (elastin microfibril interfacer 1; plus strand). Cytogenetic location: 2p23.3.
Variant type: Duplication.
Coding change: c.119dup on transcript NM_007046.4 (MANE Select); coding-DNA position 119, one base duplicated (G; older notation c.119dupG).
Protein change: p.Ser40fs; shifts the reading frame from serine 40.
Molecular consequence: frameshift variant.
Genome position (GRCh38, 1-based): chr2:27,079,184, G duplicated. VCF-style (leftmost placement, unchanged base first): chr2-27079183-A-AG. GRCh37 (hg19) VCF-style: chr2-27302051-A-AG.
Other names: c.119dupG (NM_007046.3); short protein forms S40fs.
Identifiers: ClinVar variation 1344492 (VCV001344492.32), dbSNP rs758895857, ClinGen allele CA1568393.

ClinVar aggregate classification (germline): Pathogenic/Likely pathogenic. Review status: criteria provided, multiple submitters, no conflicts (2 of 4 stars). 4 submissions from 4 submitters: Pathogenic (1); Likely pathogenic (1). 2 of the submissions do not count toward it. Last evaluated 2026-09-08.

Conditions:
EMILIN1-related disorder. Also called: EMILIN1-related condition.
Arterial tortuosity-bone fragility syndrome. Identifiers: MedGen C5935641, MONDO:0971179, OMIM 620908.
Arterial tortuosity. Identifiers: MedGen C3279191, HP:0005116.

Allele frequency attached by ClinVar (database versions not stated): ExAC 0.00001; gnomAD exomes 0.00001 and 0.00004; gnomAD 0.00002; TOPMed 0.00002.

Submissions (4):

PreventionGenetics, part of Exact Sciences
Classification: Likely pathogenic for EMILIN1-related condition. Last evaluated: 2026-09-08. Review status: criteria provided, single submitter. Criteria: ACMG Guidelines, 2015. Collection method: clinical testing. Allele origin: germline.
Comment: The EMILIN1 c.119dupG variant is predicted to result in a frameshift and premature protein termination (p.Ser40Argfs*34). This variant was reported in the compound heterozygous state with a second frameshift variant in an individual with EMILIN1-related arterial tortuosity and bone fragility (Adamo et al. 2022. PubMed ID: 36351433). This variant is reported in 0.0021% of alleles in individuals of European (Non-Finnish) descent in gnomAD. Frameshift variants in EMILIN1 are expected to be pathogenic. This variant is interpreted as likely pathogenic.

Labcorp Genetics (formerly Invitae), Labcorp
Classification: Pathogenic. Last evaluated: 2023-02-09. Review status: criteria provided, single submitter. Criteria: Invitae Variant Classification Sherloc (09022015). Collection method: clinical testing. Allele origin: germline.
Comment: This variant is present in population databases (rs758895857, gnomAD 0.002%). This sequence change creates a premature translational stop signal (p.Ser40Argfs*34) in the EMILIN1 gene. It is expected to result in an absent or disrupted protein product. Loss-of-function variants in EMILIN1 are known to be pathogenic (PMID: 36351433). This premature translational stop signal has been observed in individual(s) with EMILIN1-related conditions (PMID: 36351433). For these reasons, this variant has been classified as Pathogenic. ClinVar contains an entry for this variant (Variation ID: 1344492).

OMIM
Classification: Pathogenic for ARTERIAL TORTUOSITY-BONE FRAGILITY SYNDROME. Last evaluated: 2024-08-02. Review status: no assertion criteria provided. Collection method: literature only. Allele origin: germline. Not counted in ClinVar's aggregate classification.

Center for Medical Genetics Ghent, University of Ghent
Classification: Pathogenic for Arterial tortuosity. Review status: no assertion criteria provided. Collection method: research. Allele origin: germline. Inheritance: Autosomal recessive inheritance. Affected: yes. Not counted in ClinVar's aggregate classification.

Literature cited by the submitters: PubMed 36351433 (cited by Labcorp Genetics (formerly Invitae), Labcorp and OMIM).